The following is an entry in ClinVar:

NM_198428.3(BBS9):c.832C>A (p.Arg278=)

Gene: BBS9 (Bardet-Biedl syndrome 9; plus strand). Cytogenetic location: 7p14.3.
Variant type: single nucleotide variant.
Coding change: c.832C>A on transcript NM_198428.3 (MANE Select); coding-DNA position 832, C replaced by A.
Protein change: p.Arg278=; no amino-acid change (arginine 278 retained).
Molecular consequence: synonymous variant. On other transcripts: non-coding transcript variant (3).
Genome position (GRCh38, 1-based): chr7:33,273,141, C>A. VCF-style: chr7-33273141-C-A. GRCh37 (hg19) VCF-style: chr7-33312753-C-A.
Other names: c.832C>A, p.Arg278= (NM_001033604.2, NM_001033605.2, NM_001348036.1 and 5 more transcripts); c.466C>A, p.Arg156= (NM_001348037.3, NM_001348044.3, NM_001348045.3 and 1 more transcripts); c.559C>A, p.Arg187= (NM_001348038.3, NM_001348039.3); c.697C>A, p.Arg233= (NM_001348042.3).
Identifiers: ClinVar variation 3356254 (VCV003356254.1).

ClinVar aggregate classification (germline): Likely benign (0 of 4 stars; one submission).

Conditions:
BBS9-related disorder. Also called: BBS9-related condition.

Submission:

PreventionGenetics, part of Exact Sciences
Classification: Likely benign for BBS9-related condition. Last evaluated: 2023-06-27. Review status: no assertion criteria provided. Collection method: clinical testing. Allele origin: germline.
Comment: This variant is classified as likely benign based on ACMG/AMP sequence variant interpretation guidelines (Richards et al. 2015 PMID: 25741868, with internal and published modifications).